The following is an entry in ClinVar:

NM_001061.7(TBXAS1):c.688+4A>G

Gene: TBXAS1 (thromboxane A synthase 1; plus strand). Cytogenetic location: 7q34.
Variant type: single nucleotide variant.
Coding change: c.688+4A>G on transcript NM_001061.7 (MANE Select); 4 bases into the intron after coding-DNA position 688, A replaced by G.
Molecular consequence: intron variant.
Genome position (GRCh38, 1-based): chr7:139,955,611, A>G. VCF-style: chr7-139955611-A-G. GRCh37 (hg19) VCF-style: chr7-139655410-A-G.
Other names: c.688+4A>G (NM_001130966.5, NM_030984.6); c.487+4A>G (NM_001166254.4); c.631+4A>G (NM_001314028.4); c.826+4A>G (NM_001166253.4); c.505+4A>G (NM_001366537.3).
Identifiers: ClinVar variation 4699759 (VCV004699759.1).
Genomic context (GRCh38, chr7:139,955,611, plus strand): 5'-AACACTGCAAGCGTTTCTTCGAATTCTGCATCCCCAGACCTATCCTGGTTTTACTCTGTA[A>G]GTGCGGCTGCAGCCCGGGGCGCTGCGATGACTCCAGCAAGTTGGGCAGACCCCATGACAC-3'

ClinVar aggregate classification (germline): Uncertain significance (1 of 4 stars; one submission).

gnomAD v4.1: 2 of 1,614,052 alleles (0.00012%); highest among the groups gnomAD compares: Non-Finnish European, 0.00017%; no homozygotes.

Submission:

Labcorp Genetics (formerly Invitae), Labcorp
Classification: Uncertain significance. Last evaluated: 2025-06-08. Review status: criteria provided, single submitter. Criteria: Invitae Variant Classification Sherloc (09022015). Collection method: clinical testing. Allele origin: germline.
Comment: This sequence change falls in intron 7 of the TBXAS1 gene. It does not directly change the encoded amino acid sequence of the TBXAS1 protein. It affects a nucleotide within the consensus splice site. This variant is present in population databases (rs775521644, gnomAD 0.0009%). This variant has not been reported in the literature in individuals affected with TBXAS1-related conditions. Variants that disrupt the consensus splice site are a relatively common cause of aberrant splicing (PMID: 17576681, 9536098). Algorithms developed to predict the effect of sequence changes on RNA splicing suggest that this variant may disrupt the consensus splice site. In summary, the available evidence is currently insufficient to determine the role of this variant in disease. Therefore, it has been classified as a Variant of Uncertain Significance.

Literature cited by the submitters: PubMed 17576681; PubMed 9536098.